The following is an entry in ClinVar:

NM_001184.4(ATR):c.7900T>G (p.Cys2634Gly)

Gene: ATR (ATR checkpoint kinase; minus strand). Cytogenetic location: 3q23.
Variant type: single nucleotide variant.
Coding change: c.7900T>G on transcript NM_001184.4 (MANE Select); coding-DNA position 7900, T replaced by G.
Protein change: p.Cys2634Gly; replaces cysteine 2634 with glycine.
Molecular consequence: missense variant.
Genome position (GRCh38, 1-based): chr3:142,449,464, A>C on the plus strand (T>G on the coding strand, the complement: ATR is on the minus strand). VCF-style: chr3-142449464-A-C. GRCh37 (hg19) VCF-style: chr3-142168306-A-C.
Other names: c.7708T>G, p.Cys2570Gly (NM_001354579.2); c.7900T>G (NM_001184.3); short protein forms C2570G, C2634G.
Identifiers: ClinVar variation 2891774 (VCV002891774.3), dbSNP rs2473008658, ClinGen allele CA354793691.

ClinVar aggregate classification (germline): Uncertain significance. Review status: criteria provided, multiple submitters, no conflicts (2 of 4 stars). 2 submissions from 2 submitters: Uncertain significance (2). Last evaluated 2024-10-30.

Conditions:
Inborn genetic diseases. Identifiers: MedGen C0950123, MeSH D030342.

Allele frequency attached by ClinVar (database versions not stated): gnomAD exomes below 0.00001.
gnomAD v4.1: 1 of 1,612,426 alleles (0.000062%); highest among the groups gnomAD compares: Non-Finnish European, 0.000085%; no homozygotes.

Submissions (2):

Labcorp Genetics (formerly Invitae), Labcorp
Classification: Uncertain significance. Last evaluated: 2024-10-30. Review status: criteria provided, single submitter. Criteria: Invitae Variant Classification Sherloc (09022015). Collection method: clinical testing. Allele origin: germline.
Comment: This sequence change replaces cysteine, which is neutral and slightly polar, with glycine, which is neutral and non-polar, at codon 2634 of the ATR protein (p.Cys2634Gly). This variant is not present in population databases (gnomAD no frequency). This variant has not been reported in the literature in individuals affected with ATR-related conditions. ClinVar contains an entry for this variant (Variation ID: 2891774). An algorithm developed to predict the effect of missense changes on protein structure and function (PolyPhen-2) suggests that this variant is likely to be disruptive. In summary, the available evidence is currently insufficient to determine the role of this variant in disease. Therefore, it has been classified as a Variant of Uncertain Significance.

Ambry Genetics
Classification: Uncertain significance for Inborn genetic diseases. Last evaluated: 2023-12-14. Review status: criteria provided, single submitter. Criteria: Ambry Variant Classification Scheme 2023. Collection method: clinical testing. Allele origin: germline.
Comment: The p.C2634G variant (also known as c.7900T>G), located in coding exon 47 of the ATR gene, results from a T to G substitution at nucleotide position 7900. The cysteine at codon 2634 is replaced by glycine, an amino acid with highly dissimilar properties. This amino acid position is conserved. In addition, this alteration is predicted to be deleterious by in silico analysis. Since supporting evidence is limited at this time, the clinical significance of this alteration remains unclear.